The following is an entry in ClinVar:

NM_000901.5(NR3C2):c.1686A>C (p.Ser562=)

Gene: NR3C2 (nuclear receptor subfamily 3 group C member 2; minus strand). Cytogenetic location: 4q31.23.
Variant type: single nucleotide variant.
Coding change: c.1686A>C on transcript NM_000901.5 (MANE Select); coding-DNA position 1686, A replaced by C.
Protein change: p.Ser562=; no amino-acid change (serine 562 retained).
Molecular consequence: synonymous variant. On other transcripts: non-coding transcript variant (1).
Genome position (GRCh38, 1-based): chr4:148,435,175, T>G on the plus strand (A>C on the coding strand, the complement: NR3C2 is on the minus strand). VCF-style: chr4-148435175-T-G. GRCh37 (hg19) VCF-style: chr4-149356327-T-G.
Other names: c.1686A>C, p.Ser562= (NM_001166104.2, NM_001354819.1).
Identifiers: ClinVar variation 902488 (VCV000902488.4), dbSNP rs1456002649, ClinGen allele CA442016338.

ClinVar aggregate classification (germline): Uncertain significance (1 of 4 stars; one submission).

Conditions:
Autosomal dominant pseudohypoaldosteronism type 1. Also called: Pseudohypoaldosteronism, Type I, Autosomal Dominant; Pseudohypoaldosteronism, Type I, Dominant; PHA I, AUTOSOMAL DOMINANT. Identifiers: Orphanet 171871, Orphanet 756, MedGen C1449842, MONDO:0008329, OMIM 177735.

gnomAD v4.1: 1 of 1,614,206 alleles (0.000062%); no homozygotes.

Submission:

Illumina Laboratory Services, Illumina
Classification: Uncertain significance for Autosomal dominant pseudohypoaldosteronism type 1. Last evaluated: 2017-04-27. Review status: criteria provided, single submitter. Criteria: ICSL Variant Classification Criteria 13 December 2019. Collection method: clinical testing. Allele origin: germline.
Comment: This variant was observed as part of a predisposition screen in an ostensibly healthy population. A literature search was performed for the gene, cDNA change, and amino acid change (where applicable). Publications were found based on this search. However, the evidence from the literature, in combination with allele frequency data from public databases where available, was not sufficient to rule this variant in or out of causing disease. Therefore, this variant is classified as a variant of unknown significance.

Literature cited by the submitters: PubMed 19571553.